The following is an entry in ClinVar:

ClinVar aggregate classification (germline): Likely pathogenic (1 of 4 stars; one submission).

Conditions:
Renal carnitine transport defect (CDSP). Also called: Carnitine transporter deficiency; Carnitine Deficiency, Systemic; Primary carnitine deficiency; Systemic primary carnitine deficiency; Systemic primary carnitine deficiency disease; CARNITINE DEFICIENCY, SYSTEMIC, DUE TO DEFECT IN RENAL REABSORPTION OF CARNITINE. Identifiers: Orphanet 158, MedGen C0342788, MONDO:0008919, OMIM 212140.

Submission:

Labcorp Genetics (formerly Invitae), Labcorp
Classification: Likely pathogenic for Renal carnitine transport defect. Last evaluated: 2023-04-14. Review status: criteria provided, single submitter. Criteria: Invitae Variant Classification Sherloc (09022015). Collection method: clinical testing. Allele origin: germline.
Comment: This variant is not present in population databases (gnomAD no frequency). This sequence change affects an acceptor splice site in intron 5 of the SLC22A5 gene. It is expected to disrupt RNA splicing. Variants that disrupt the donor or acceptor splice site typically lead to a loss of protein function (PMID: 16199547), and loss-of-function variants in SLC22A5 are known to be pathogenic (PMID: 9916797). This variant has not been reported in the literature in individuals affected with SLC22A5-related conditions. Algorithms developed to predict the effect of sequence changes on RNA splicing suggest that this variant may disrupt the consensus splice site. In summary, the currently available evidence indicates that the variant is pathogenic, but additional data are needed to prove that conclusively. Therefore, this variant has been classified as Likely Pathogenic.

Literature cited by the submitters: PubMed 16199547; PubMed 9916797.

NM_003060.4(SLC22A5):c.952-1G>T

Gene: SLC22A5 (solute carrier family 22 member 5; plus strand). Cytogenetic location: 5q31.1.
Variant type: single nucleotide variant.
Coding change: c.952-1G>T on transcript NM_003060.4 (MANE Select); the canonical splice acceptor site of the intron before coding-DNA position 952, G replaced by T.
Molecular consequence: splice acceptor variant.
Genome position (GRCh38, 1-based): chr5:132,388,920, G>T. VCF-style: chr5-132388920-G-T. GRCh37 (hg19) VCF-style: chr5-131724612-G-T.
Other names: c.1024-1G>T (NM_001308122.2).
Identifiers: ClinVar variation 2856051 (VCV002856051.3), dbSNP rs2532129473, ClinGen allele CA360805953.